The following is an entry in ClinVar:

NM_000080.4(CHRNE):c.1337A>G (p.Asp446Gly)

Gene: CHRNE (cholinergic receptor nicotinic epsilon subunit; minus strand). Cytogenetic location: 17p13.2.
Variant type: single nucleotide variant.
Coding change: c.1337A>G on transcript NM_000080.4 (MANE Select); coding-DNA position 1337, A replaced by G.
Protein change: p.Asp446Gly; replaces aspartic acid 446 with glycine.
Molecular consequence: missense variant.
Genome position (GRCh38, 1-based): chr17:4,898,881, T>C on the plus strand (A>G on the coding strand, the complement: CHRNE is on the minus strand). VCF-style: chr17-4898881-T-C. GRCh37 (hg19) VCF-style: chr17-4802176-T-C.
Other names: short protein forms D446G.
Identifiers: ClinVar variation 2613524 (VCV002613524.4), dbSNP rs1176297999, ClinGen allele CA397297935.

ClinVar aggregate classification (germline): Uncertain significance. Review status: criteria provided, multiple submitters, no conflicts (2 of 4 stars). 2 submissions from 2 submitters: Uncertain significance (2). Last evaluated 2026-01-05.

Conditions:
Inborn genetic diseases. Identifiers: MedGen C0950123, MeSH D030342.

Allele frequency attached by ClinVar (database versions not stated): gnomAD exomes below 0.00001.

Submissions (2):

Ambry Genetics
Classification: Uncertain significance for Inborn genetic diseases. Last evaluated: 2026-01-05. Review status: criteria provided, single submitter. Criteria: Ambry Variant Classification Scheme 2023. Collection method: clinical testing. Allele origin: germline.

GeneDx
Classification: Uncertain significance. Last evaluated: 2024-09-11. Review status: criteria provided, single submitter. Criteria: GeneDx Variant Classification Process June 2021. Collection method: clinical testing. Allele origin: germline. Affected: yes.
Comment: Not observed at significant frequency in large population cohorts (gnomAD); In silico analysis supports that this missense variant has a deleterious effect on protein structure/function; Has not been previously published as pathogenic or benign to our knowledge